The following is an entry in ClinVar:

ClinVar aggregate classification (germline): Uncertain significance (1 of 4 stars; one submission).

Submission:

Labcorp Genetics (formerly Invitae), Labcorp
Classification: Uncertain significance. Last evaluated: 2025-07-20. Review status: criteria provided, single submitter. Criteria: Invitae Variant Classification Sherloc (09022015). Collection method: clinical testing. Allele origin: germline.
Comment: This sequence change replaces cysteine, which is neutral and slightly polar, with arginine, which is basic and polar, at codon 719 of the FGFR3 protein (p.Cys719Arg). This variant is not present in population databases (gnomAD no frequency). This variant has not been reported in the literature in individuals affected with FGFR3-related conditions. Invitae Evidence Modeling of protein sequence and biophysical properties (such as structural, functional, and spatial information, amino acid conservation, physicochemical variation, residue mobility, and thermodynamic stability) indicates that this missense variant is expected to disrupt FGFR3 protein function with a positive predictive value of 80%. In summary, the available evidence is currently insufficient to determine the role of this variant in disease. Therefore, it has been classified as a Variant of Uncertain Significance.

NM_000142.5(FGFR3):c.2155T>C (p.Cys719Arg)

Gene: FGFR3 (fibroblast growth factor receptor 3; plus strand). Cytogenetic location: 4p16.3.
Variant type: single nucleotide variant.
Coding change: c.2155T>C on transcript NM_000142.5 (MANE Select); coding-DNA position 2155, T replaced by C.
Protein change: p.Cys719Arg; replaces cysteine 719 with arginine.
Molecular consequence: missense variant. On other transcripts: non-coding transcript variant (1).
Genome position (GRCh38, 1-based): chr4:1,806,670, T>C. VCF-style: chr4-1806670-T-C. GRCh37 (hg19) VCF-style: chr4-1808397-T-C.
Other names: c.1819T>C, p.Cys607Arg (NM_022965.4); c.2161T>C, p.Cys721Arg (NM_001163213.2); c.2158T>C, p.Cys720Arg (NM_001354809.2); c.2087T>C, p.Leu696Pro (NM_001354810.2); short protein forms C607R, C719R, C720R, C721R, L696P.
Identifiers: ClinVar variation 4802678 (VCV004802678.1).
Genomic context (GRCh38, chr4:1,806,670, plus strand): 5'-CCTGTGGAGGAGCTCTTCAAGCTGCTGAAGGAGGGCCACCGCATGGACAAGCCCGCCAAC[T>C]GCACACACGACCTGTGAGTGGCATCCCTGGCCCTCCACTGGGTCCTCAGGGGTGGGGGTC-3'
Protein context (NP_000133.1, residues 709-729): EGHRMDKPAN[Cys719Arg]THDLYMIMRE